The following is an entry in ClinVar:

ClinVar aggregate classification (germline): Likely benign (1 of 4 stars; one submission).

Allele frequency attached by ClinVar (database versions not stated): gnomAD exomes 0.00001; ExAC 0.00002; gnomAD 0.00004; TOPMed 0.00007.
gnomAD v4.1: 26 of 1,611,642 alleles (0.0016%); highest among the groups gnomAD compares: Middle Eastern, 0.017%; no homozygotes.

Submission:

Laboratory for Molecular Medicine, Mass General Brigham Personalized Medicine
Classification: Likely benign. Last evaluated: 2014-03-06. Review status: criteria provided, single submitter. Criteria: LMM Criteria. Collection method: clinical testing. Allele origin: germline. Observed: 1 variant allele.
Comment: *2+10G>A in intron 23 of TRIOBP: This variant is not expected to have clinical s ignificance because it is not located within the splice consensus sequence and i s not predicted to impact splicing.

NM_001039141.3(TRIOBP):c.*2+10G>A

Gene: TRIOBP (TRIO and F-actin binding protein; plus strand). Cytogenetic location: 22q13.1.
Variant type: single nucleotide variant.
Coding change: c.*2+10G>A on transcript NM_001039141.3 (MANE Select); 10 bases into the intron after 2 bases downstream of the stop codon, G replaced by A.
Molecular consequence: intron variant.
Genome position (GRCh38, 1-based): chr22:37,772,774, G>A. VCF-style: chr22-37772774-G-A. GRCh37 (hg19) VCF-style: chr22-38168781-G-A.
Other names: c.*2+10G>A (NM_007032.5).
Identifiers: ClinVar variation 165617 (VCV000165617.5), dbSNP rs727503531, ClinGen allele CA178367.